The following is an entry in ClinVar:

NM_053025.4(MYLK):c.1414C>T (p.Leu472Phe)

Gene: MYLK (myosin light chain kinase; minus strand). Cytogenetic location: 3q21.1.
Variant type: single nucleotide variant.
Coding change: c.1414C>T on transcript NM_053025.4 (MANE Select); coding-DNA position 1414, C replaced by T.
Protein change: p.Leu472Phe; replaces leucine 472 with phenylalanine.
Molecular consequence: missense variant. On other transcripts: intron variant (2).
Genome position (GRCh38, 1-based): chr3:123,732,998, G>A on the plus strand (C>T on the coding strand, the complement: MYLK is on the minus strand). VCF-style: chr3-123732998-G-A. GRCh37 (hg19) VCF-style: chr3-123451845-G-A.
Other names: c.886C>T, p.Leu296Phe (NM_001321309.2); c.1414C>T, p.Leu472Phe (NM_053027.4); c.1309+689C>T (NM_053028.4, NM_053026.4); short protein forms L296F, L472F.
Identifiers: ClinVar variation 3363728 (VCV003363728.2).

ClinVar aggregate classification (germline): Uncertain significance. Review status: criteria provided, multiple submitters, no conflicts (2 of 4 stars). 2 submissions from 2 submitters: Uncertain significance (2). Last evaluated 2024-10-11.

Conditions:
Familial thoracic aortic aneurysm and aortic dissection (TAAD). Also called: Thoracic aortic aneurysms and dissections. Identifiers: Orphanet 91387, MedGen C4707243, MONDO:0019625.

gnomAD v4.1: 10 of 1,614,106 alleles (0.00062%); highest among the groups gnomAD compares: East Asian, 0.016%; no homozygotes.

Submissions (2):

Ambry Genetics
Classification: Uncertain significance for Familial thoracic aortic aneurysm and aortic dissection. Last evaluated: 2024-10-11. Review status: criteria provided, single submitter. Criteria: Ambry Variant Classification Scheme 2023. Collection method: clinical testing. Allele origin: germline.

GeneDx
Classification: Uncertain significance. Last evaluated: 2023-11-02. Review status: criteria provided, single submitter. Criteria: GeneDx Variant Classification Process June 2021. Collection method: clinical testing. Allele origin: germline. Affected: yes.
Comment: In silico analysis supports that this missense variant does not alter protein structure/function; Has not been previously published as pathogenic or benign to our knowledge